The following is an entry in ClinVar:

NM_001015880.2(PAPSS2):c.1322A>T (p.His441Leu)

Gene: PAPSS2 (3'-phosphoadenosine 5'-phosphosulfate synthase 2; plus strand). Cytogenetic location: 10q23.31.
Variant type: single nucleotide variant.
Coding change: c.1322A>T on transcript NM_001015880.2 (MANE Select); coding-DNA position 1322, A replaced by T.
Protein change: p.His441Leu; replaces histidine 441 with leucine.
Molecular consequence: missense variant.
Genome position (GRCh38, 1-based): chr10:87,743,472, A>T. VCF-style: chr10-87743472-A-T. GRCh37 (hg19) VCF-style: chr10-89503229-A-T.
Other names: c.1307A>T, p.His436Leu (NM_004670.4); short protein forms H436L, H441L.
Identifiers: ClinVar variation 2169294 (VCV002169294.4), dbSNP rs1389572478, ClinGen allele CA377483066.

ClinVar aggregate classification (germline): Uncertain significance (1 of 4 stars; one submission).

Conditions:
Spondyloepimetaphyseal dysplasia, PAPSS2 type. Also called: SEMD, PAKISTANI TYPE; BRACHYOLMIA TYPE 4 WITH MILD EPIPHYSEAL AND METAPHYSEAL CHANGES; SPONDYLODYSPLASIA AND PREMATURE PUBARCHE. Identifiers: Orphanet 93282, MedGen C2748516, MONDO:0019666, OMIM 612847.

Allele frequency attached by ClinVar (database versions not stated): gnomAD 0.00001; TOPMed 0.00001.
gnomAD v4.1: 4 of 1,614,002 alleles (0.00025%); highest among the groups gnomAD compares: Admixed American, 0.005%; no homozygotes.

Submission:

Labcorp Genetics (formerly Invitae), Labcorp
Classification: Uncertain significance for Spondyloepimetaphyseal dysplasia, PAPSS2 type. Last evaluated: 2022-05-04. Review status: criteria provided, single submitter. Criteria: Invitae Variant Classification Sherloc (09022015). Collection method: clinical testing. Allele origin: germline.
Comment: In summary, the available evidence is currently insufficient to determine the role of this variant in disease. Therefore, it has been classified as a Variant of Uncertain Significance. Algorithms developed to predict the effect of missense changes on protein structure and function (SIFT, PolyPhen-2, Align-GVGD) all suggest that this variant is likely to be tolerated. This variant has not been reported in the literature in individuals affected with PAPSS2-related conditions. This variant is present in population databases (no rsID available, gnomAD 0.003%). This sequence change replaces histidine, which is basic and polar, with leucine, which is neutral and non-polar, at codon 441 of the PAPSS2 protein (p.His441Leu).